The following is an entry in ClinVar:

ClinVar aggregate classification (germline): Uncertain significance (1 of 4 stars; one submission).

Allele frequency attached by ClinVar (database versions not stated): TOPMed below 0.00001; gnomAD 0.00001.
gnomAD v4.1: 1 of 1,613,194 alleles (0.000062%); highest among the groups gnomAD compares: Admixed American, 0.0017%; no homozygotes.

Submission:

Labcorp Genetics (formerly Invitae), Labcorp
Classification: Uncertain significance. Last evaluated: 2022-07-03. Review status: criteria provided, single submitter. Criteria: Invitae Variant Classification Sherloc (09022015). Collection method: clinical testing. Allele origin: germline.
Comment: This sequence change replaces tyrosine, which is neutral and polar, with histidine, which is basic and polar, at codon 11 of the DARS2 protein (p.Tyr11His). This variant is not present in population databases (gnomAD no frequency). In summary, the available evidence is currently insufficient to determine the role of this variant in disease. Therefore, it has been classified as a Variant of Uncertain Significance. Advanced modeling of protein sequence and biophysical properties (such as structural, functional, and spatial information, amino acid conservation, physicochemical variation, residue mobility, and thermodynamic stability) performed at Invitae indicates that this missense variant is not expected to disrupt DARS2 protein function. This variant has not been reported in the literature in individuals affected with DARS2-related conditions.

NM_018122.5(DARS2):c.31T>C (p.Tyr11His)

Gene: DARS2 (aspartyl-tRNA synthetase 2, mitochondrial; plus strand). Cytogenetic location: 1q25.1.
Variant type: single nucleotide variant.
Coding change: c.31T>C on transcript NM_018122.5 (MANE Select); coding-DNA position 31, T replaced by C.
Protein change: p.Tyr11His; replaces tyrosine 11 with histidine.
Molecular consequence: missense variant.
Genome position (GRCh38, 1-based): chr1:173,825,260, T>C. VCF-style: chr1-173825260-T-C. GRCh37 (hg19) VCF-style: chr1-173794398-T-C.
Other names: c.31T>C, p.Tyr11His (NM_001365212.1, NM_001365213.2); short protein forms Y11H.
Identifiers: ClinVar variation 1939524 (VCV001939524.5), dbSNP rs1452915195, ClinGen allele CA343754888.